The following is an entry in ClinVar:

NM_002609.4(PDGFRB):c.1346C>T (p.Ser449Phe)

Gene: PDGFRB (platelet derived growth factor receptor beta; minus strand). Cytogenetic location: 5q32.
Variant type: single nucleotide variant.
Coding change: c.1346C>T on transcript NM_002609.4 (MANE Select); coding-DNA position 1346, C replaced by T.
Protein change: p.Ser449Phe; replaces serine 449 with phenylalanine.
Molecular consequence: missense variant.
Genome position (GRCh38, 1-based): chr5:150,130,560, G>A on the plus strand (C>T on the coding strand, the complement: PDGFRB is on the minus strand). VCF-style: chr5-150130560-G-A. GRCh37 (hg19) VCF-style: chr5-149510123-G-A.
Other names: c.1154C>T, p.Ser385Phe (NM_001355016.2); c.863C>T, p.Ser288Phe (NM_001355017.2); short protein forms S449F, S385F, S288F.
Identifiers: ClinVar variation 581888 (VCV000581888.10), dbSNP rs1312583190, ClinGen allele CA361716602.

ClinVar aggregate classification (germline): Uncertain significance (1 of 4 stars; one submission).

Conditions:
Basal ganglia calcification, idiopathic, 4 (PFBC4). Also called: PRIMARY FAMILIAL BRAIN CALCIFICATION 4, AUTOSOMAL DOMINANT; Familial Idiopathic Basal Ganglia Calcification 4. Identifiers: Orphanet 1980, MedGen C3554321, MONDO:0014004, OMIM 615007.
Infantile myofibromatosis (IMF). Also called: Congenital generalized fibromatosis. Identifiers: Orphanet 2591, MedGen C0432284, MONDO:0016824.
Acroosteolysis-keloid-like lesions-premature aging syndrome. Also called: Progeroid syndrome, Penttinen type; Premature aging syndrome, Penttinen type; Prematurely aged appearance, delayed bone maturation, acro-osteolysis, and brachydactyly. Identifiers: Orphanet 363665, MedGen C1866182, MONDO:0011150, OMIM 601812.
Skeletal overgrowth-craniofacial dysmorphism-hyperelastic skin-white matter lesions syndrome. Also called: SKELETAL OVERGROWTH WITH FACIAL DYSMORPHISM, HYPERELASTIC SKIN, WHITE MATTER LESIONS, AND NEUROLOGIC DETERIORATION; Kosaki overgrowth syndrome. Identifiers: Orphanet 477831, MedGen C4225270, MONDO:0014704, OMIM 616592.

Allele frequency attached by ClinVar (database versions not stated): gnomAD exomes below 0.00001.
gnomAD v4.1: 1 of 1,611,622 alleles (0.000062%); highest among the groups gnomAD compares: African/African-American, 0.0013%; no homozygotes.

Submission:

Labcorp Genetics (formerly Invitae), Labcorp
Classification: Uncertain significance for Basal ganglia calcification, idiopathic, 4; Skeletal overgrowth-craniofacial dysmorphism-hyperelastic skin-white matter lesions syndrome; Infantile myofibromatosis; Acroosteolysis-keloid-like lesions-premature aging syndrome. Last evaluated: 2018-06-20. Review status: criteria provided, single submitter. Criteria: Invitae Variant Classification Sherloc (09022015). Collection method: clinical testing. Allele origin: germline.
Comment: This variant is not present in population databases (ExAC no frequency). This sequence change replaces serine with phenylalanine at codon 449 of the PDGFRB protein (p.Ser449Phe). The serine residue is highly conserved and there is a large physicochemical difference between serine and phenylalanine. This variant has not been reported in the literature in individuals with PDGFRB-related disease. In summary, the available evidence is currently insufficient to determine the role of this variant in disease. Therefore, it has been classified as a Variant of Uncertain Significance. Algorithms developed to predict the effect of missense changes on protein structure and function output the following: SIFT: "Tolerated"; PolyPhen-2: "Benign"; Align-GVGD: "Class C0". The phenylalanine amino acid residue is found in multiple mammalian species, suggesting that this missense change does not adversely affect protein function. These predictions have not been confirmed by published functional studies and their clinical significance is uncertain.